The following is an entry in ClinVar:

NM_024408.4(NOTCH2):c.5023C>T (p.Arg1675Cys)

Gene: NOTCH2 (notch receptor 2; minus strand). Cytogenetic location: 1p12.
Variant type: single nucleotide variant.
Coding change: c.5023C>T on transcript NM_024408.4 (MANE Select); coding-DNA position 5023, C replaced by T.
Protein change: p.Arg1675Cys; replaces arginine 1675 with cysteine.
Molecular consequence: missense variant.
Genome position (GRCh38, 1-based): chr1:119,922,426, G>A on the plus strand (C>T on the coding strand, the complement: NOTCH2 is on the minus strand). VCF-style: chr1-119922426-G-A. GRCh37 (hg19) VCF-style: chr1-120465049-G-A.
Other names: short protein forms R1675C.
Identifiers: ClinVar variation 2067558 (VCV002067558.4), dbSNP rs1649317658, ClinGen allele CA341887208.

ClinVar aggregate classification (germline): Uncertain significance (1 of 4 stars; one submission).

Conditions:
Hajdu-Cheney syndrome (HJCYS). Also called: Acroosteolysis dominant type; ACROOSTEOLYSIS WITH OSTEOPOROSIS AND CHANGES IN SKULL AND MANDIBLE; SERPENTINE FIBULA-POLYCYSTIC KIDNEY SYNDROME. Identifiers: Orphanet 955, MedGen C0917715, MONDO:0007057, OMIM 102500.

Allele frequency attached by ClinVar (database versions not stated): TOPMed 0.00001; gnomAD exomes 0.00001.
gnomAD v4.1: 10 of 1,612,824 alleles (0.00062%); highest among the groups gnomAD compares: Middle Eastern, 0.017%; no homozygotes.

Submission:

Labcorp Genetics (formerly Invitae), Labcorp
Classification: Uncertain significance for Hajdu-Cheney syndrome. Last evaluated: 2022-06-24. Review status: criteria provided, single submitter. Criteria: Invitae Variant Classification Sherloc (09022015). Collection method: clinical testing. Allele origin: germline.
Comment: In summary, the available evidence is currently insufficient to determine the role of this variant in disease. Therefore, it has been classified as a Variant of Uncertain Significance. Advanced modeling of protein sequence and biophysical properties (such as structural, functional, and spatial information, amino acid conservation, physicochemical variation, residue mobility, and thermodynamic stability) performed at Invitae indicates that this missense variant is not expected to disrupt NOTCH2 protein function. This variant has not been reported in the literature in individuals affected with NOTCH2-related conditions. This variant is not present in population databases (gnomAD no frequency). This sequence change replaces arginine, which is basic and polar, with cysteine, which is neutral and slightly polar, at codon 1675 of the NOTCH2 protein (p.Arg1675Cys).